The following is an entry in ClinVar:

ClinVar aggregate classification (germline): Uncertain significance (1 of 4 stars; one submission).

Submission:

Dasa
Classification: Uncertain significance. Last evaluated: 2026-05-03. Review status: criteria provided, single submitter. Criteria: DASA Assertion Criteria. Collection method: clinical testing. Allele origin: germline.
Comment: NM_006015.6(ARID1A):c.676G>T (p.Ala226Ser) is a missense variant that results in the substitution of alanine with serine. This variant is rare in population databases. Computational prediction algorithms are consistent with a benign effect. The currently available literature and clinical evidence are not sufficient to establish a definitive association between this variant and the reported condition. Therefore, this variant is classified as a variant of uncertain significance.

NM_006015.6(ARID1A):c.676G>T (p.Ala226Ser)

Genes: ARID1A (AT-rich interaction domain 1A; plus strand), LOC129929837 (ATAC-STARR-seq lymphoblastoid silent region 489; plus strand). Cytogenetic location: 1p36.11.
Variant type: single nucleotide variant.
Coding change: c.676G>T on transcript NM_006015.6 (MANE Select); coding-DNA position 676, G replaced by T.
Protein change: p.Ala226Ser; replaces alanine 226 with serine.
Molecular consequence: missense variant.
Genome position (GRCh38, 1-based): chr1:26,697,079, G>T. VCF-style: chr1-26697079-G-T. GRCh37 (hg19) VCF-style: chr1-27023570-G-T.
Other names: c.676G>T, p.Ala226Ser (NM_139135.4); short protein forms A226S.
Identifiers: ClinVar variation 5020637 (VCV005020637.1).
Genomic context (GRCh38, chr1:26,697,079, plus strand): 5'-GGCTTCCCCAACCACCAGTACAACTCCTACTACCCCAACCGCAGCGCCTACCCCCCGCCC[G>T]CCCCGGCCTACGCGCTGAGCTCCCCGAGAGGTGGCACTCCGGGCTCCGGCGCGGCGGCGG-3'
Protein context (NP_006006.3, residues 216-236): YPNRSAYPPP[Ala226Ser]PAYALSSPRG